The following is an entry in ClinVar:

NM_006231.4(POLE):c.6344A>T (p.Asp2115Val)

Gene: POLE (DNA polymerase epsilon, catalytic subunit; minus strand). Cytogenetic location: 12q24.33.
Variant type: single nucleotide variant.
Coding change: c.6344A>T on transcript NM_006231.4 (MANE Select); coding-DNA position 6344, A replaced by T.
Protein change: p.Asp2115Val; replaces aspartic acid 2115 with valine.
Molecular consequence: missense variant.
Genome position (GRCh38, 1-based): chr12:132,626,304, T>A on the plus strand (A>T on the coding strand, the complement: POLE is on the minus strand). VCF-style: chr12-132626304-T-A. GRCh37 (hg19) VCF-style: chr12-133202890-T-A.
Other names: short protein forms D2115V.
Identifiers: ClinVar variation 3781567 (VCV003781567.1).
Genomic context (GRCh38, chr12:132,626,304, plus strand): 5'-ACATCCACCAGGCGAAGCAGGTCTCGGTTCAGCTTATTCACCTGGTTTGTGATGTTGGTG[T>A]CCAGGGACAGCACCTGCAGAGACCACAGCCCACATCGGGAAGGAGCTCCCGGGGCCTCCC-3'
Protein context (NP_006222.2, residues 2105-2125): IKYVCKVLSL[Asp2115Val]TNITNQVNKL

ClinVar aggregate classification (germline): Uncertain significance (1 of 4 stars; one submission).

Conditions:
Hereditary cancer-predisposing syndrome. Also called: Neoplastic Syndromes, Hereditary; Hereditary Cancer Syndrome; Tumor predisposition; Hereditary neoplastic syndrome. Identifiers: Orphanet 140162, MedGen C0027672, MeSH D009386, MONDO:0015356.

Submission:

Ambry Genetics
Classification: Uncertain significance for Hereditary cancer-predisposing syndrome. Last evaluated: 2025-01-20. Review status: criteria provided, single submitter. Criteria: Ambry Variant Classification Scheme 2023. Collection method: clinical testing. Allele origin: germline.
Comment: The p.D2115V variant (also known as c.6344A>T), located in coding exon 46 of the POLE gene, results from an A to T substitution at nucleotide position 6344. The aspartic acid at codon 2115 is replaced by valine, an amino acid with highly dissimilar properties. This amino acid position is conserved. In addition, this alteration is predicted to be deleterious by in silico analysis. Based on the available evidence, the clinical significance of this variant remains unclear.